The following is an entry in ClinVar:

NM_001122630.2(CDKN1C):c.-8C>G

Gene: CDKN1C (cyclin dependent kinase inhibitor 1C; minus strand). Cytogenetic location: 11p15.4.
Variant type: single nucleotide variant.
Coding change: c.-8C>G on transcript NM_001122630.2 (MANE Select); 8 bases upstream of the start codon, C replaced by G.
Molecular consequence: 5 prime UTR variant. On other transcripts: missense variant (2).
Genome position (GRCh38, 1-based): chr11:2,885,464, G>C on the plus strand (C>G on the coding strand, the complement: CDKN1C is on the minus strand). VCF-style: chr11-2885464-G-C. GRCh37 (hg19) VCF-style: chr11-2906694-G-C.
Other names: c.26C>G, p.Thr9Arg (NM_000076.2, NM_001362474.2); c.-8C>G (NM_001122631.2, NM_001362475.2); short protein forms T9R.
Identifiers: ClinVar variation 2087919 (VCV002087919.4), dbSNP rs1300493378, ClinGen allele CA379148000.

ClinVar aggregate classification (germline): Uncertain significance (1 of 4 stars; one submission).

Conditions:
Beckwith-Wiedemann syndrome (BWS). Also called: Exomphalos macroglossia gigantism syndrome; EMG SYNDROME. Identifiers: Orphanet 116, MedGen C0004903, MONDO:0007534, OMIM 130650.

Submission:

Labcorp Genetics (formerly Invitae), Labcorp
Classification: Uncertain significance for Beckwith-Wiedemann syndrome. Last evaluated: 2022-01-19. Review status: criteria provided, single submitter. Criteria: Invitae Variant Classification Sherloc (09022015). Collection method: clinical testing. Allele origin: germline.
Comment: In summary, the available evidence is currently insufficient to determine the role of this variant in disease. Therefore, it has been classified as a Variant of Uncertain Significance. Algorithms developed to predict the effect of sequence changes on RNA splicing suggest that this variant may create or strengthen a splice site. Algorithms developed to predict the effect of missense changes on protein structure and function output the following: SIFT: "Tolerated"; PolyPhen-2: "Benign"; Align-GVGD: "Class C0". The arginine amino acid residue is found in multiple mammalian species, which suggests that this missense change does not adversely affect protein function. This variant has not been reported in the literature in individuals affected with CDKN1C-related conditions. This variant is not present in population databases (gnomAD no frequency). This sequence change replaces threonine, which is neutral and polar, with arginine, which is basic and polar, at codon 9 of the CDKN1C protein (p.Thr9Arg).